The following is an entry in ClinVar:

NM_001363711.2(DUOX2):c.3509A>C (p.Asn1170Thr)

Gene: DUOX2 (dual oxidase 2; minus strand). Cytogenetic location: 15q21.1.
Variant type: single nucleotide variant.
Coding change: c.3509A>C on transcript NM_001363711.2 (MANE Select); coding-DNA position 3509, A replaced by C.
Protein change: p.Asn1170Thr; replaces asparagine 1170 with threonine.
Molecular consequence: missense variant.
Genome position (GRCh38, 1-based): chr15:45,099,389, T>G on the plus strand (A>C on the coding strand, the complement: DUOX2 is on the minus strand). VCF-style: chr15-45099389-T-G. GRCh37 (hg19) VCF-style: chr15-45391587-T-G.
Other names: c.3509A>C, p.Asn1170Thr (NM_014080.5); c.3509A>C (NM_014080.4); short protein forms N1170T.
Identifiers: ClinVar variation 1522516 (VCV001522516.5), dbSNP rs200459845, ClinGen allele CA7537854.

ClinVar aggregate classification (germline): Uncertain significance. Review status: criteria provided, multiple submitters, no conflicts (2 of 4 stars). 2 submissions from 2 submitters: Uncertain significance (2). Last evaluated 2026-05-27.

Conditions:
DUOX2-related disorder. Also called: DUOX2-related condition.

Allele frequency attached by ClinVar (database versions not stated): gnomAD exomes 0.00001 and 0.00003; ExAC 0.00002; gnomAD 0.00002; TOPMed 0.00003.
gnomAD v4.1: 50 of 1,613,758 alleles (0.0031%); highest among the groups gnomAD compares: Admixed American, 0.005%; no homozygotes.

Submissions (2):

PreventionGenetics, part of Exact Sciences
Classification: Uncertain significance for DUOX2-related condition. Last evaluated: 2026-05-27. Review status: criteria provided, single submitter. Criteria: ACMG Guidelines, 2015. Collection method: clinical testing. Allele origin: germline.
Comment: The DUOX2 c.3509A>C variant is predicted to result in the amino acid substitution p.Asn1170Thr. To our knowledge, this variant has not been reported in the literature. This variant is reported in 0.0056% of alleles in individuals of Latino descent in gnomAD. At this time, the clinical significance of this variant is uncertain due to the absence of conclusive functional and genetic evidence.

Labcorp Genetics (formerly Invitae), Labcorp
Classification: Uncertain significance. Last evaluated: 2024-10-21. Review status: criteria provided, single submitter. Criteria: Invitae Variant Classification Sherloc (09022015). Collection method: clinical testing. Allele origin: germline.
Comment: This sequence change replaces asparagine, which is neutral and polar, with threonine, which is neutral and polar, at codon 1170 of the DUOX2 protein (p.Asn1170Thr). This variant is present in population databases (rs200459845, gnomAD 0.006%). This variant has not been reported in the literature in individuals affected with DUOX2-related conditions. ClinVar contains an entry for this variant (Variation ID: 1522516). Invitae Evidence Modeling of protein sequence and biophysical properties (such as structural, functional, and spatial information, amino acid conservation, physicochemical variation, residue mobility, and thermodynamic stability) indicates that this missense variant is not expected to disrupt DUOX2 protein function with a negative predictive value of 95%. In summary, the available evidence is currently insufficient to determine the role of this variant in disease. Therefore, it has been classified as a Variant of Uncertain Significance.